The following is an entry in ClinVar:

NM_002109.6(HARS1):c.1163G>A (p.Arg388Gln)

Gene: HARS1 (histidyl-tRNA synthetase 1; minus strand). Cytogenetic location: 5q31.3.
Variant type: single nucleotide variant.
Coding change: c.1163G>A on transcript NM_002109.6 (MANE Select); coding-DNA position 1163, G replaced by A.
Protein change: p.Arg388Gln; replaces arginine 388 with glutamine.
Molecular consequence: missense variant.
Genome position (GRCh38, 1-based): chr5:140,676,685, C>T on the plus strand (G>A on the coding strand, the complement: HARS1 is on the minus strand). VCF-style: chr5-140676685-C-T. GRCh37 (hg19) VCF-style: chr5-140056270-C-T.
Other names: c.1163G>A (NM_002109.3); c.1043G>A, p.Arg348Gln (NM_001258040.3); c.1103G>A, p.Arg368Gln (NM_001258041.3); c.983G>A, p.Arg328Gln (NM_001258042.3); c.941G>A, p.Arg314Gln (NM_001289092.2); c.821G>A, p.Arg274Gln (NM_001289093.2); c.1076G>A, p.Arg359Gln (NM_001289094.2); short protein forms R274Q, R314Q, R328Q, R348Q, R359Q, R368Q, R388Q.
Identifiers: ClinVar variation 2655742 (VCV002655742.27), dbSNP rs758173527, ClinGen allele CA3443908.

ClinVar aggregate classification (germline): Conflicting classifications of pathogenicity. Review status: criteria provided, conflicting classifications (1 of 4 stars). 4 submissions from 4 submitters: Uncertain significance (3); Likely benign (1). Last evaluated 2025-12-03.

Conditions:
Usher syndrome type 3B. Also called: USHER SYNDROME, TYPE IIIB. Identifiers: MedGen C3281066, MONDO:0013788, OMIM 614504.

Allele frequency attached by ClinVar (database versions not stated): ExAC 0.00003.

Submissions (4):

Labcorp Genetics (formerly Invitae), Labcorp
Classification: Uncertain significance for Usher syndrome type 3B. Last evaluated: 2025-12-03. Review status: criteria provided, single submitter. Criteria: Invitae Variant Classification Sherloc (09022015). Collection method: clinical testing. Allele origin: germline.
Comment: This sequence change replaces arginine, which is basic and polar, with glutamine, which is neutral and polar, at codon 388 of the HARS protein (p.Arg388Gln). This variant is present in population databases (rs758173527, gnomAD 0.02%). This variant has not been reported in the literature in individuals affected with HARS-related conditions. ClinVar contains an entry for this variant (Variation ID: 2655742). Invitae Evidence Modeling of protein sequence and biophysical properties (such as structural, functional, and spatial information, amino acid conservation, physicochemical variation, residue mobility, and thermodynamic stability) indicates that this missense variant is expected to disrupt HARS protein function with a positive predictive value of 80%. In summary, the available evidence is currently insufficient to determine the role of this variant in disease. Therefore, it has been classified as a Variant of Uncertain Significance.

Ambry Genetics
Classification: Likely benign. Last evaluated: 2024-11-11. Review status: criteria provided, single submitter. Criteria: Ambry Variant Classification Scheme 2023. Collection method: clinical testing. Allele origin: germline.

CeGaT Center for Human Genetics Tuebingen
Classification: Uncertain significance. Last evaluated: 2023-07-01. Review status: criteria provided, single submitter. Criteria: CeGaT Center For Human Genetics Tuebingen Variant Classification Criteria Version 2. Collection method: clinical testing. Allele origin: germline. Affected: yes. Observed: 1 variant allele.

Blueprint Genetics
Classification: Uncertain significance. Last evaluated: 2022-06-16. Review status: criteria provided, single submitter. Criteria: ACMG Guidelines, 2015. Collection method: clinical testing. Allele origin: germline.